The following is an entry in ClinVar:

ClinVar aggregate classification (germline): Likely benign (0 of 4 stars; one submission).

Conditions:
GALNTL5-related disorder. Also called: GALNTL5-related condition.

gnomAD v4.1: 525 of 1,612,360 alleles (0.033%); highest among the groups gnomAD compares: African/African-American, 0.6%; 1 homozygote.

Submission:

PreventionGenetics, part of Exact Sciences
Classification: Likely benign for GALNTL5-related condition. Last evaluated: 2024-08-30. Review status: no assertion criteria provided. Collection method: clinical testing. Allele origin: germline.
Comment: This variant is classified as likely benign based on ACMG/AMP sequence variant interpretation guidelines (Richards et al. 2015 PMID: 25741868, with internal and published modifications).

NM_145292.4(GALNTL5):c.1201G>A (p.Gly401Ser)

Gene: GALNTL5 (polypeptide N-acetylgalactosaminyltransferase like 5; plus strand). Cytogenetic location: 7q36.1.
Variant type: single nucleotide variant.
Coding change: c.1201G>A on transcript NM_145292.4 (MANE Select); coding-DNA position 1201, G replaced by A.
Protein change: p.Gly401Ser; replaces glycine 401 with serine.
Molecular consequence: missense variant. On other transcripts: non-coding transcript variant (1).
Genome position (GRCh38, 1-based): chr7:152,019,670, G>A. VCF-style: chr7-152019670-G-A. GRCh37 (hg19) VCF-style: chr7-151716755-G-A.
Other names: short protein forms G401S.
Identifiers: ClinVar variation 3352628 (VCV003352628.1).